The following is an entry in ClinVar:

NM_012280.4(FTSJ1):c.647A>G (p.His216Arg)

Gene: FTSJ1 (FtsJ RNA 2'-O-methyltransferase 1; plus strand). Cytogenetic location: Xp11.23.
Variant type: single nucleotide variant.
Coding change: c.647A>G on transcript NM_012280.4 (MANE Select); coding-DNA position 647, A replaced by G.
Protein change: p.His216Arg; replaces histidine 216 with arginine.
Molecular consequence: missense variant.
Genome position (GRCh38, 1-based): chrX:48,481,707, A>G. VCF-style: chrX-48481707-A-G. GRCh37 (hg19) VCF-style: chrX-48340095-A-G.
Other names: c.236A>G, p.His79Arg (NM_001282157.2); c.647A>G, p.His216Arg (NM_177439.3); short protein forms H216R, H79R.
Identifiers: ClinVar variation 3777625 (VCV003777625.1).

ClinVar aggregate classification (germline): Uncertain significance (1 of 4 stars; one submission).

Submission:

GeneDx
Classification: Uncertain significance. Last evaluated: 2024-10-09. Review status: criteria provided, single submitter. Criteria: GeneDx Variant Classification Process June 2021. Collection method: clinical testing. Allele origin: germline. Affected: yes.
Comment: Not observed at significant frequency in large population cohorts (gnomAD); In silico analysis supports that this missense variant has a deleterious effect on protein structure/function; Has not been previously published as pathogenic or benign to our knowledge